The following is an entry in ClinVar:

ClinVar aggregate classification (germline): Uncertain significance (1 of 4 stars; one submission).

Conditions:
Multiple congenital anomalies-hypotonia-seizures syndrome 2 (MCAHS2). Also called: EPILEPTIC ENCEPHALOPATHY, EARLY INFANTILE, 20; GLYCOSYLPHOSPHATIDYLINOSITOL BIOSYNTHESIS DEFECT 4. Identifiers: Orphanet 300496, MedGen C3275508, MONDO:0010466, OMIM 300868.

Submission:

Labcorp Genetics (formerly Invitae), Labcorp
Classification: Uncertain significance for Multiple congenital anomalies-hypotonia-seizures syndrome 2. Last evaluated: 2020-06-27. Review status: criteria provided, single submitter. Criteria: Invitae Variant Classification Sherloc (09022015). Collection method: clinical testing. Allele origin: germline.
Comment: This sequence change replaces glutamic acid with glycine at codon 395 of the PIGA protein (p.Glu395Gly). The glutamic acid residue is moderately conserved and there is a moderate physicochemical difference between glutamic acid and glycine. This variant is not present in population databases (ExAC no frequency). This variant has not been reported in the literature in individuals with PIGA-related conditions. Algorithms developed to predict the effect of missense changes on protein structure and function are either unavailable or do not agree on the potential impact of this missense change (SIFT: "Tolerated"; PolyPhen-2: "Possibly Damaging"; Align-GVGD: "Class C0"). In summary, the available evidence is currently insufficient to determine the role of this variant in disease. Therefore, it has been classified as a Variant of Uncertain Significance.

NM_002641.4(PIGA):c.1184A>G (p.Glu395Gly)

Gene: PIGA (phosphatidylinositol glycan anchor biosynthesis class A; minus strand). Cytogenetic location: Xp22.2.
Variant type: single nucleotide variant.
Coding change: c.1184A>G on transcript NM_002641.4 (MANE Select); coding-DNA position 1184, A replaced by G.
Protein change: p.Glu395Gly; replaces glutamic acid 395 with glycine.
Molecular consequence: missense variant. On other transcripts: non-coding transcript variant (2).
Genome position (GRCh38, 1-based): chrX:15,324,669, T>C on the plus strand (A>G on the coding strand, the complement: PIGA is on the minus strand). VCF-style: chrX-15324669-T-C. GRCh37 (hg19) VCF-style: chrX-15342791-T-C.
Other names: c.482A>G, p.Glu161Gly (NM_020473.3); short protein forms E161G, E395G.
Identifiers: ClinVar variation 838031 (VCV000838031.11), dbSNP rs1921917016, ClinGen allele CA412335009.
Genomic context (GRCh38, chrX:15,324,669, plus strand): 5'-TACGTGAAACATCAAGTAAGAGTTCAGACACAATCTTTTCTCAGCATGTGACATACCTTT[T>C]CAGTTCTTTCTGCAACATTCCTCCAGGTGTAGAAAGTCTTTACTATGTTATGGATGTTTT-3'
Protein context (NP_002632.1, residues 385-405): YTWRNVAERT[Glu395Gly]KVYDRVSVEA